The following is an entry in ClinVar:

NM_000043.6(FAS):c.196+5G>T

Gene: FAS (Fas cell surface death receptor; plus strand). Cytogenetic location: 10q23.31.
Variant type: single nucleotide variant.
Coding change: c.196+5G>T on transcript NM_000043.6 (MANE Select); 5 bases into the intron after coding-DNA position 196, G replaced by T.
Molecular consequence: intron variant.
Genome position (GRCh38, 1-based): chr10:89,003,199, G>T. VCF-style: chr10-89003199-G-T. GRCh37 (hg19) VCF-style: chr10-90762956-G-T.
Other names: c.196+5G>T (NM_152872.4, NM_001320619.2, NM_152871.4); c.241+5G>T (NM_001410956.1).
Identifiers: ClinVar variation 2851870 (VCV002851870.3), dbSNP rs2495025113, ClinGen allele CA2739275907.
Genomic context (GRCh38, chr10:89,003,199, plus strand): 5'-GAACTTGGAAGGCCTGCATCATGATGGCCAATTCTGCCATAAGCCCTGTCCTCCAGGTAT[G>T]TTACACAAAACATCCAGAGATTACAGTGAAAGTCACAGTTAGGAGTAGCACATAGTAATC-3'

ClinVar aggregate classification (germline): Uncertain significance (1 of 4 stars; one submission).

Conditions:
Autoimmune lymphoproliferative syndrome type 1. Also called: AUTOIMMUNE LYMPHOPROLIFERATIVE SYNDROME, TYPE I, AUTOSOMAL DOMINANT. Identifiers: Orphanet 3261, MedGen C2717884, MONDO:0011158, OMIM 601859.

Submission:

Labcorp Genetics (formerly Invitae), Labcorp
Classification: Uncertain significance for Autoimmune lymphoproliferative syndrome. Last evaluated: 2023-04-03. Review status: criteria provided, single submitter. Criteria: Invitae Variant Classification Sherloc (09022015). Collection method: clinical testing. Allele origin: germline.
Comment: This sequence change falls in intron 2 of the FAS gene. It does not directly change the encoded amino acid sequence of the FAS protein. It affects a nucleotide within the consensus splice site. This variant is not present in population databases (gnomAD no frequency). This variant has not been reported in the literature in individuals affected with FAS-related conditions. Variants that disrupt the consensus splice site are a relatively common cause of aberrant splicing (PMID: 17576681, 9536098). Algorithms developed to predict the effect of sequence changes on RNA splicing suggest that this variant is not likely to affect RNA splicing. In summary, the available evidence is currently insufficient to determine the role of this variant in disease. Therefore, it has been classified as a Variant of Uncertain Significance.

Literature cited by the submitters: PubMed 17576681; PubMed 9536098.